The following is an entry in ClinVar:

NM_003846.3(PEX11B):c.686G>A (p.Arg229His)

Gene: PEX11B (peroxisomal biogenesis factor 11 beta; minus strand). Cytogenetic location: 1q21.1.
Variant type: single nucleotide variant.
Coding change: c.686G>A on transcript NM_003846.3 (MANE Select); coding-DNA position 686, G replaced by A.
Protein change: p.Arg229His; replaces arginine 229 with histidine.
Molecular consequence: missense variant. On other transcripts: non-coding transcript variant (3).
Genome position (GRCh38, 1-based): chr1:145,912,255, C>T on the plus strand (G>A on the coding strand, the complement: PEX11B is on the minus strand). VCF-style: chr1-145912255-C-T. GRCh37 (hg19) VCF-style: chr1-145522825-G-A.
Other names: c.644G>A, p.Arg215His (NM_001184795.1); short protein forms R215H, R229H.
Identifiers: ClinVar variation 1051506 (VCV001051506.6), dbSNP rs782811309, ClinGen allele CA1055649.

ClinVar aggregate classification (germline): Uncertain significance (1 of 4 stars; one submission).

Allele frequency attached by ClinVar (database versions not stated): gnomAD 0.00001 and 0.00003; gnomAD exomes 0.00001 and 0.00002; ExAC 0.00002; TOPMed 0.00002.
gnomAD v4.1: 25 of 1,613,866 alleles (0.0015%); highest among the groups gnomAD compares: South Asian, 0.0077%; no homozygotes.

Submission:

Labcorp Genetics (formerly Invitae), Labcorp
Classification: Uncertain significance. Last evaluated: 2023-09-05. Review status: criteria provided, single submitter. Criteria: Invitae Variant Classification Sherloc (09022015). Collection method: clinical testing. Allele origin: germline.
Comment: This sequence change replaces arginine, which is basic and polar, with histidine, which is basic and polar, at codon 229 of the PEX11B protein (p.Arg229His). In summary, the available evidence is currently insufficient to determine the role of this variant in disease. Therefore, it has been classified as a Variant of Uncertain Significance. Algorithms developed to predict the effect of missense changes on protein structure and function output the following: SIFT: "Not Available"; PolyPhen-2: "Benign"; Align-GVGD: "Not Available". The histidine amino acid residue is found in multiple mammalian species, which suggests that this missense change does not adversely affect protein function. ClinVar contains an entry for this variant (Variation ID: 1051506). This variant has not been reported in the literature in individuals affected with PEX11B-related conditions. This variant is present in population databases (rs782811309, gnomAD 0.01%).